The following is an entry in ClinVar:

ClinVar aggregate classification (germline): Uncertain significance (1 of 4 stars; one submission).

gnomAD v4.1: 1 of 1,614,162 alleles (0.000062%); no homozygotes.

Submission:

GeneDx
Classification: Uncertain significance. Last evaluated: 2023-10-25. Review status: criteria provided, single submitter. Criteria: GeneDx Variant Classification Process June 2021. Collection method: clinical testing. Allele origin: germline. Affected: yes.
Comment: Not observed at significant frequency in large population cohorts (gnomAD); In silico analysis supports that this missense variant does not alter protein structure/function; Has not been previously published as pathogenic or benign to our knowledge

NM_016333.4(SRRM2):c.4871C>G (p.Pro1624Arg)

Gene: SRRM2 (serine/arginine repetitive matrix 2; plus strand). Cytogenetic location: 16p13.3.
Variant type: single nucleotide variant.
Coding change: c.4871C>G on transcript NM_016333.4 (MANE Select); coding-DNA position 4871, C replaced by G.
Protein change: p.Pro1624Arg; replaces proline 1624 with arginine.
Molecular consequence: missense variant.
Genome position (GRCh38, 1-based): chr16:2,765,399, C>G. VCF-style: chr16-2765399-C-G. GRCh37 (hg19) VCF-style: chr16-2815400-C-G.
Other names: short protein forms P1624R.
Identifiers: ClinVar variation 3363370 (VCV003363370.1).